The following is an entry in ClinVar:

ClinVar aggregate classification (germline): Uncertain significance (1 of 4 stars; one submission).

Conditions:
Neurodevelopmental disorder. Identifiers: MedGen C1535926, MeSH D065886, MONDO:0700092.

Submission:

Broad Center for Mendelian Genomics, Broad Institute of MIT and Harvard
Classification: Uncertain significance for Neurodevelopmental disorder. Last evaluated: 2026-03-02. Review status: criteria provided, single submitter. Criteria: ACMG Guidelines, 2015. Collection method: research. Allele origin: germline. Inheritance: Autosomal dominant inheritance.
Comment: The p.Asn456Tyr variant in TRPC1 has not been previously reported in the literature in individuals with neurodevelopmental disorders, and was absent from large population studies. Computational prediction tools and conservation analyses suggest that this variant may impact the protein, though this information is not predictive enough to determine an impact. The number of missense variants reported in TRPC1 in the general population is lower than expected, suggesting there is little benign variation in this gene and slightly increasing the possibility that a missense variant in this gene may not be tolerated. While variants in the TRPC1 gene have been reported in individuals with neurodevelopmental disorders, this association has not been definitively established. In summary, given the limited information about this gene-disease relationship, the significance of the p.Asn456Tyr variant is uncertain.

NM_001251845.2(TRPC1):c.1366A>T (p.Asn456Tyr)

Gene: TRPC1 (transient receptor potential cation channel subfamily C member 1; plus strand). Cytogenetic location: 3q23.
Variant type: single nucleotide variant.
Coding change: c.1366A>T on transcript NM_001251845.2 (MANE Select); coding-DNA position 1366, A replaced by T.
Protein change: p.Asn456Tyr; replaces asparagine 456 with tyrosine.
Molecular consequence: missense variant. On other transcripts: intron variant (4).
Genome position (GRCh38, 1-based): chr3:142,791,087, A>T. VCF-style: chr3-142791087-A-T. GRCh37 (hg19) VCF-style: chr3-142509929-A-T.
Other names: NM_003304.5:c.1264A>T; c.241A>T, p.Asn81Tyr (NM_001413383.1, NM_001413384.1); c.1264A>T, p.Asn422Tyr (NM_003304.5, NM_001413363.1); c.858+10058A>T (NM_001413381.1); c.564+10058A>T (NM_001413382.1); c.127-11082A>T (NM_001413385.1); c.34-11082A>T (NM_001413386.1); c.1216A>T, p.Asn406Tyr (NM_001413361.1); and 5 more; short protein forms N280Y, N324Y, N358Y, N372Y, N378Y, N406Y, N422Y, N456Y.
Identifiers: ClinVar variation 4819489 (VCV004819489.1).